The following is an entry in ClinVar:

ClinVar aggregate classification (germline): Uncertain significance (1 of 4 stars; one submission).

Submission:

Labcorp Genetics (formerly Invitae), Labcorp
Classification: Uncertain significance. Last evaluated: 2026-02-03. Review status: criteria provided, single submitter. Criteria: Invitae Variant Classification Sherloc (09022015). Collection method: clinical testing. Allele origin: germline.
Comment: This variant, c.349_351del, results in the deletion of 1 amino acid(s) of the FBXW7 protein (p.Glu117del), but otherwise preserves the integrity of the reading frame. The frequency data for this variant in the population databases is considered unreliable, as metrics indicate poor data quality at this position in the gnomAD database. This variant has not been reported in the literature in individuals affected with FBXW7-related conditions. Experimental studies and prediction algorithms are not available or were not evaluated, and the functional significance of this variant is currently unknown. In summary, the available evidence is currently insufficient to determine the role of this variant in disease. Therefore, it has been classified as a Variant of Uncertain Significance.

NM_001349798.2(FBXW7):c.337GAG[4] (p.Glu117del)

Gene: FBXW7 (F-box and WD repeat domain containing 7; minus strand). Cytogenetic location: 4q31.3.
Variant type: Microsatellite.
Coding change: c.337GAG[4] on transcript NM_001349798.2 (MANE Select); four copies in a row of the 3-base unit GAG starting at c.337; the reference has five copies in a row; one copy, 3 bases deleted.
Protein change: p.Glu117del; deletes glutamic acid 117.
Genome position (GRCh38, 1-based): chr4:152,411,453-152,411,455, CTC deleted on the plus strand (GAG on the coding strand, the reverse complement: FBXW7 is on the minus strand); deleting any 3 consecutive bases within chr4:152,411,453-152,411,467 gives the same sequence; the position shown is the placement nearest the transcript's 3' end. VCF-style (leftmost placement, unchanged base first): chr4-152411452-TCTC-T. GRCh37 (hg19) VCF-style: chr4-153332604-TCTC-T.
Other names: c.337GAG[4], p.Glu117del (NM_001257069.1, NM_033632.3); short protein forms E117del.
Identifiers: ClinVar variation 3655020 (VCV003655020.2).